The following is an entry in ClinVar:

NM_005670.4(EPM2A):c.761C>T (p.Ala254Val)

Gene: EPM2A (EPM2A glucan phosphatase, laforin; minus strand). Cytogenetic location: 6q24.3.
Variant type: single nucleotide variant.
Coding change: c.761C>T on transcript NM_005670.4 (MANE Select); coding-DNA position 761, C replaced by T.
Protein change: p.Ala254Val; replaces alanine 254 with valine.
Molecular consequence: missense variant. On other transcripts: synonymous variant (1), non-coding transcript variant (1).
Genome position (GRCh38, 1-based): chr6:145,627,651, G>A on the plus strand (C>T on the coding strand, the complement: EPM2A is on the minus strand). VCF-style: chr6-145627651-G-A. GRCh37 (hg19) VCF-style: chr6-145948787-G-A.
Other names: p.Ala254Val; c.761C>T, p.Ala254Val (NM_001018041.2); c.519C>T, p.Cys173= (NM_001360057.2); c.347C>T, p.Ala116Val (NM_001360064.2, NM_001360071.2, NM_001368131.1); c.299C>T, p.Ala100Val (NM_001368129.2, NM_001368132.1); short protein forms A254V, A116V, A100V.
Identifiers: ClinVar variation 590090 (VCV000590090.53), dbSNP rs138798058, ClinGen allele CA4035086.
Genomic context (GRCh38, chr6:145,627,651, plus strand): 5'-GTGGAGCGGCCCACCCCAGCGTTGCAGTGCACGTACACGATGTGTCCCTTCTCCAGCAGC[G>A]CATGCAGCAGGCACACCGCCTGGGGCAGCATCTGTACTCGGCCTGCGGTGGGGAAAGCAC-3'
Protein context (NP_005661.1, residues 244-264): MLPQAVCLLH[Ala254Val]LLEKGHIVYV

ClinVar aggregate classification (germline): Uncertain significance. Review status: criteria provided, multiple submitters, no conflicts (2 of 4 stars). 4 submissions from 4 submitters: Uncertain significance (4). Last evaluated 2025-05-05.

Conditions:
Progressive myoclonic epilepsy. Also called: Myoclonic Epilepsies, Progressive; Familial progressive myoclonic epilepsy; Myoclonus epilepsy; Progressive myoclonus epilepsy. Identifiers: Orphanet 308, Orphanet 98261, MedGen C0751778, MONDO:0020074.
Inborn genetic diseases. Identifiers: MedGen C0950123, MeSH D030342.

Allele frequency attached by ClinVar (database versions not stated): ExAC 0.00002; gnomAD exomes 0.00002; TOPMed 0.00004; ESP Exome Variant Server 0.00008; gnomAD 0.00003.
gnomAD v4.1: 13 of 1,613,980 alleles (0.00081%); highest among the groups gnomAD compares: Admixed American, 0.0067%; no homozygotes.

Submissions (4):

Ambry Genetics
Classification: Uncertain significance for Inborn genetic diseases. Last evaluated: 2025-05-05. Review status: criteria provided, single submitter. Criteria: Ambry Variant Classification Scheme 2023. Collection method: clinical testing. Allele origin: germline.

GeneDx
Classification: Uncertain significance. Last evaluated: 2023-08-01. Review status: criteria provided, single submitter. Criteria: GeneDx Variant Classification Process June 2021. Collection method: clinical testing. Allele origin: germline. Affected: yes.
Comment: Not observed at significant frequency in large population cohorts (gnomAD); In silico analysis supports that this missense variant does not alter protein structure/function; Has not been previously published as pathogenic or benign to our knowledge

Mayo Clinic Laboratories, Mayo Clinic
Classification: Uncertain significance. Last evaluated: 2023-05-04. Review status: criteria provided, single submitter. Criteria: ACMG Guidelines, 2015. Collection method: clinical testing. Allele origin: germline. Observed: 1 variant allele.

Labcorp Genetics (formerly Invitae), Labcorp
Classification: Uncertain significance for Progressive myoclonic epilepsy. Last evaluated: 2022-10-24. Review status: criteria provided, single submitter. Criteria: Invitae Variant Classification Sherloc (09022015). Collection method: clinical testing. Allele origin: germline.
Comment: ClinVar contains an entry for this variant (Variation ID: 590090). In summary, the available evidence is currently insufficient to determine the role of this variant in disease. Therefore, it has been classified as a Variant of Uncertain Significance. Advanced modeling of protein sequence and biophysical properties (such as structural, functional, and spatial information, amino acid conservation, physicochemical variation, residue mobility, and thermodynamic stability) has been performed at Invitae for this missense variant, however the output from this modeling did not meet the statistical confidence thresholds required to predict the impact of this variant on EPM2A protein function. This variant has not been reported in the literature in individuals affected with EPM2A-related conditions. This variant is present in population databases (rs138798058, gnomAD 0.009%). This sequence change replaces alanine, which is neutral and non-polar, with valine, which is neutral and non-polar, at codon 254 of the EPM2A protein (p.Ala254Val).